The following is an entry in ClinVar:

NM_024079.5(ALG8):c.710_719dup (p.Leu241fs)

Gene: ALG8 (ALG8 alpha-1,3-glucosyltransferase; minus strand). Cytogenetic location: 11q14.1.
Variant type: Duplication.
Coding change: c.710_719dup on transcript NM_024079.5 (MANE Select); coding-DNA positions 710 to 719, 10 bases duplicated (GTGTTATTTC; older notation c.710_719dupGTGTTATTTC).
Protein change: p.Leu241fs; shifts the reading frame from leucine 241.
Molecular consequence: frameshift variant.
Genome position (GRCh38, 1-based): chr11:78,113,944-78,113,953, GAAATAACAC duplicated on the plus strand (GTGTTATTTC on the coding strand, the reverse complement: ALG8 is on the minus strand); duplicating any 10 consecutive bases within chr11:78,113,944-78,113,956 gives the same sequence; the c. name uses the placement nearest the transcript's 3' end. VCF-style (leftmost placement, unchanged base first): chr11-78113943-G-GGAAATAACAC. GRCh37 (hg19) VCF-style: chr11-77824989-G-GGAAATAACAC.
Other names: c.710_719dup, p.Leu241fs (NM_001007027.3); short protein forms L241fs.
Identifiers: ClinVar variation 1333512 (VCV001333512.1), dbSNP rs2136903056, ClinGen allele CA2573053574.
Genomic context (GRCh38, chr11:78,113,943, plus strand): 5'-TACCAAGGCCAGGAAAGGACCCAATGAAAGAGCAGAAACTAAGAAAACAACCAGTCCCAG[G>GGAAATAACAC]GAAATAACACGAACAAAGCTGAAACTCTTCCATCGAATAGACCCATCTACAGAAAAGGAA-3'

ClinVar aggregate classification (germline): Likely pathogenic (1 of 4 stars; one submission).

Conditions:
Polycystic liver disease 3 with or without kidney cysts. Identifiers: MedGen C4693472, MONDO:0054743, OMIM 617874.

Submission:

3billion
Classification: Likely pathogenic for Polycystic liver disease 3 with or without kidney cysts. Last evaluated: 2022-01-03. Review status: criteria provided, single submitter. Criteria: ACMG Guidelines, 2015. Collection method: clinical testing. Allele origin: germline. Affected: yes. Observed: 1 heterozygote.
Comment: Frameshift: predicted to result in a loss or disruption of normal protein function through nonsense-mediated decay (NMD) or protein truncation. Multiple pathogenic variants are reported downstream of the variant (PVS1_VS). It is not observed in the gnomAD v2.1.1 dataset (PM2_M). Therefore, this variant is classified as likely pathogenic according to the recommendation of ACMG/AMP guideline.